The following is an entry in ClinVar:

NM_194454.3(KRIT1):c.810dup (p.Trp271fs)

Gene: KRIT1 (KRIT1 ankyrin repeat containing; minus strand). Cytogenetic location: 7q21.2.
Variant type: Duplication.
Coding change: c.810dup on transcript NM_194454.3 (MANE Select); coding-DNA position 810, one base duplicated (A; older notation c.810dupA).
Protein change: p.Trp271fs; shifts the reading frame from tryptophan 271.
Molecular consequence: frameshift variant.
Genome position (GRCh38, 1-based): chr7:92,234,843, T duplicated on the plus strand (A on the coding strand, the reverse complement: KRIT1 is on the minus strand); the first of 5 consecutive T bases (chr7:92,234,843-92,234,847); duplicating any one gives the same sequence. VCF-style (leftmost placement, unchanged base first): chr7-92234842-A-AT. GRCh37 (hg19) VCF-style: chr7-91864156-A-AT.
Other names: c.810dup, p.Trp271fs (NM_001350681.1, NM_001013406.2, NM_001350669.1 and 29 more transcripts); c.810dupA (NM_194456.1); c.96dup, p.Trp33fs (NM_001350671.1); short protein forms W271fs, W33fs.
Identifiers: ClinVar variation 654640 (VCV000654640.7), dbSNP rs1584975743, ClinGen allele CA915945341.

ClinVar aggregate classification (germline): Pathogenic (1 of 4 stars; one submission).

Conditions:
Cerebral cavernous malformation (CCM). Also called: Cerebral cavernous hemangioma (type); Cerebral cavernous malformations; CAVERNOUS ANGIOMA, FAMILIAL; CAVERNOUS ANGIOMATOUS MALFORMATIONS; CEREBRAL CAPILLARY MALFORMATIONS; Cavernous Hemangioma of Brain. Identifiers: Orphanet 221061, MedGen C2919945, MONDO:0000820, OMIM 116860, HP:0033522.

Submission:

Labcorp Genetics (formerly Invitae), Labcorp
Classification: Pathogenic for Cerebral cavernous malformation. Last evaluated: 2018-12-20. Review status: criteria provided, single submitter. Criteria: Invitae Variant Classification Sherloc (09022015). Collection method: clinical testing. Allele origin: germline.
Comment: Loss-of-function variants in KRIT1 are known to be pathogenic (PMID: 10508515, 11222804, 12404106, 24689081). This variant has not been reported in the literature in individuals with KRIT1-related conditions. This variant is not present in population databases (ExAC no frequency). This sequence change creates a premature translational stop signal (p.Trp271Metfs*19) in the KRIT1 gene. It is expected to result in an absent or disrupted protein product. For these reasons, this variant has been classified as Pathogenic.

Literature cited by the submitters: PubMed 10508515; PubMed 11222804; PubMed 12404106; PubMed 24689081.